The following is an entry in ClinVar:

NM_173354.5(SIK1):c.2188A>T (p.Thr730Ser)

Gene: SIK1 (salt inducible kinase 1; minus strand). Cytogenetic location: 21q22.3.
Variant type: single nucleotide variant.
Coding change: c.2188A>T on transcript NM_173354.5 (MANE Select); coding-DNA position 2188, A replaced by T.
Protein change: p.Thr730Ser; replaces threonine 730 with serine.
Molecular consequence: missense variant.
Genome position (GRCh38, 1-based): chr21:43,416,906, T>A on the plus strand (A>T on the coding strand, the complement: SIK1 is on the minus strand). VCF-style: chr21-43416906-T-A. GRCh37 (hg19) VCF-style: chr21-44836786-T-A.
Other names: short protein forms T730S.
Identifiers: ClinVar variation 1062859 (VCV001062859.9), dbSNP rs1410454168, ClinGen allele CA410606486.

ClinVar aggregate classification (germline): Uncertain significance (1 of 4 stars; one submission).

Conditions:
Developmental and epileptic encephalopathy, 30 (DEE30). Also called: Epileptic encephalopathy, early infantile, 30. Identifiers: MedGen C4225360, MONDO:0014595, OMIM 616341.

Allele frequency attached by ClinVar (database versions not stated): gnomAD exomes 0.00001.

Submission:

Labcorp Genetics (formerly Invitae), Labcorp
Classification: Uncertain significance for Developmental and epileptic encephalopathy, 30. Last evaluated: 2024-02-18. Review status: criteria provided, single submitter. Criteria: Invitae Variant Classification Sherloc (09022015). Collection method: clinical testing. Allele origin: germline.
Comment: This sequence change replaces threonine, which is neutral and polar, with serine, which is neutral and polar, at codon 730 of the SIK1 protein (p.Thr730Ser). The frequency data for this variant in the population databases is considered unreliable, as metrics indicate poor data quality at this position in the gnomAD database. This variant has not been reported in the literature in individuals affected with SIK1-related conditions. ClinVar contains an entry for this variant (Variation ID: 1062859). Advanced modeling of protein sequence and biophysical properties (such as structural, functional, and spatial information, amino acid conservation, physicochemical variation, residue mobility, and thermodynamic stability) performed at Invitae indicates that this missense variant is not expected to disrupt SIK1 protein function with a negative predictive value of 95%. In summary, the available evidence is currently insufficient to determine the role of this variant in disease. Therefore, it has been classified as a Variant of Uncertain Significance.